The following is an entry in ClinVar:

NM_174936.4(PCSK9):c.588C>G (p.Ile196Met)

Gene: PCSK9 (proprotein convertase subtilisin/kexin type 9; plus strand). Cytogenetic location: 1p32.3.
Variant type: single nucleotide variant.
Coding change: c.588C>G on transcript NM_174936.4 (MANE Select); coding-DNA position 588, C replaced by G.
Protein change: p.Ile196Met; replaces isoleucine 196 with methionine.
Molecular consequence: missense variant. On other transcripts: non-coding transcript variant (8).
Genome position (GRCh38, 1-based): chr1:55,052,342, C>G. VCF-style: chr1-55052342-C-G. GRCh37 (hg19) VCF-style: chr1-55518015-C-G.
Other names: c.711C>G, p.Ile237Met (NM_001407240.1); c.588C>G, p.Ile196Met (NM_001407241.1, NM_001407242.1, NM_001407244.1 and 1 more transcripts); c.531C>G, p.Ile177Met (NM_001407243.1); c.396C>G, p.Ile132Met (NM_001407245.1); c.213C>G, p.Ile71Met (NM_001407246.1); short protein forms I132M, I177M, I196M, I237M, I71M.
Identifiers: ClinVar variation 3074625 (VCV003074625.3), dbSNP rs762910129, ClinGen allele CA340473308.

ClinVar aggregate classification (germline): Uncertain significance. Review status: criteria provided, multiple submitters, no conflicts (2 of 4 stars). 2 submissions from 2 submitters: Uncertain significance (2). Last evaluated 2026-03-23.

Conditions:
Hypercholesterolemia, autosomal dominant, 3 (FHCL3). Also called: Familial Hypercholesterolemia, Autosomal Dominant, 3; PCSK9-Related Familial Hypercholesterolemia, Autosomal Dominant; Familial hypercholesterolemia 3. Identifiers: MedGen C1863551, MONDO:0011369, OMIM 603776.

gnomAD v4.1: 1 of 1,613,832 alleles (0.000062%); highest among the groups gnomAD compares: African/African-American, 0.0013%; no homozygotes.

Submissions (2):

Women's Health and Genetics/Laboratory Corporation of America, LabCorp
Classification: Uncertain significance. Last evaluated: 2026-03-23. Review status: criteria provided, single submitter. Criteria: LabCorp Variant Classification Summary - May 2015. Collection method: clinical testing. Allele origin: germline.

All of Us Research Program, National Institutes of Health
Classification: Uncertain significance for Hypercholesterolemia, autosomal dominant, 3. Last evaluated: 2024-03-05. Review status: criteria provided, single submitter. Criteria: ACMG Guidelines, 2015. Collection method: clinical testing. Allele origin: germline. Inheritance: Autosomal dominant inheritance. Observed: 3 variant alleles, 3 heterozygotes.
Comment: This missense variant replaces isoleucine with methionine at codon 196 of the PCSK9 protein. Computational prediction suggests that this variant may not impact protein structure and function (internally defined REVEL score threshold <= 0.5, PMID: 27666373). To our knowledge, functional studies have not been reported for this variant. This variant has not been reported in individuals affected with PCSK9-related disorders in the literature. This variant has been identified in 1/31370 chromosomes in the general population by the Genome Aggregation Database (gnomAD). The available evidence is insufficient to determine the role of this variant in disease conclusively. Therefore, this variant is classified as a Variant of Uncertain Significance.

This study involves interpretation of variants in research participants for the purpose of population health screening. Participant phenotype was not available at the time of variant classification. Additional details can be found in publication PMID: 35346344, PMCID: PMC8962531